The following is an entry in ClinVar:

ClinVar aggregate classification (germline): Uncertain significance (1 of 4 stars; one submission).

Conditions:
Focal segmental glomerulosclerosis 5 (FSGS5). Identifiers: Orphanet 656, MedGen C2750475, MONDO:0013191, OMIM 613237.
Charcot-Marie-Tooth disease dominant intermediate E. Also called: CHARCOT-MARIE-TOOTH NEUROPATHY WITH FOCAL SEGMENTAL GLOMERULONEPHRITIS. Identifiers: Orphanet 93114, MedGen C4302667, MONDO:0013758, OMIM 614455.

Submission:

Labcorp Genetics (formerly Invitae), Labcorp
Classification: Uncertain significance for Charcot-Marie-Tooth disease dominant intermediate E; Focal segmental glomerulosclerosis 5. Last evaluated: 2025-11-08. Review status: criteria provided, single submitter. Criteria: Invitae Variant Classification Sherloc (09022015). Collection method: clinical testing. Allele origin: germline.
Comment: This sequence change replaces alanine, which is neutral and non-polar, with proline, which is neutral and non-polar, at codon 743 of the INF2 protein (p.Ala743Pro). This variant is not present in population databases (gnomAD no frequency). This variant has not been reported in the literature in individuals affected with INF2-related conditions. Invitae Evidence Modeling of protein sequence and biophysical properties (such as structural, functional, and spatial information, amino acid conservation, physicochemical variation, residue mobility, and thermodynamic stability) indicates that this missense variant is not expected to disrupt INF2 protein function with a negative predictive value of 95%. In summary, the available evidence is currently insufficient to determine the role of this variant in disease. Therefore, it has been classified as a Variant of Uncertain Significance.

NM_022489.4(INF2):c.2227G>C (p.Ala743Pro)

Gene: INF2 (inverted formin 2; plus strand). Cytogenetic location: 14q32.33.
Variant type: single nucleotide variant.
Coding change: c.2227G>C on transcript NM_022489.4 (MANE Select); coding-DNA position 2227, G replaced by C.
Protein change: p.Ala743Pro; replaces alanine 743 with proline.
Molecular consequence: missense variant. On other transcripts: non-coding transcript variant (1).
Genome position (GRCh38, 1-based): chr14:104,710,176, G>C. VCF-style: chr14-104710176-G-C. GRCh37 (hg19) VCF-style: chr14-105176513-G-C.
Other names: c.2227G>C, p.Ala743Pro (NM_001031714.4, NM_001426862.1, NM_001426863.1 and 2 more transcripts); short protein forms A743P.
Identifiers: ClinVar variation 4789143 (VCV004789143.1).